The following is an entry in ClinVar:

NM_004999.4(MYO6):c.*4481T>C

Gene: MYO6 (myosin VI; plus strand). Cytogenetic location: 6q14.1.
Variant type: single nucleotide variant.
Coding change: c.*4481T>C on transcript NM_004999.4 (MANE Select); 4481 bases downstream of the stop codon, T replaced by C.
Molecular consequence: 3 prime UTR variant. On other transcripts: non-coding transcript variant (1).
Genome position (GRCh38, 1-based): chr6:75,919,493, T>C. VCF-style: chr6-75919493-T-C. GRCh37 (hg19) VCF-style: chr6-76629210-T-C.
Other names: c.*4481T>C (NM_001300899.2, NM_001368136.1, NM_001368137.1 and 3 more transcripts).
Identifiers: ClinVar variation 358063 (VCV000358063.6), dbSNP rs142744723, ClinGen allele CA10622735.

ClinVar aggregate classification (germline): Conflicting classifications of pathogenicity. Review status: criteria provided, conflicting classifications (1 of 4 stars). 3 submissions from 2 submitters: Uncertain significance (1); Benign (1); Likely benign (1). Last evaluated 2021-05-18.

Conditions:
Autosomal dominant nonsyndromic hearing loss 22. Also called: Autosomal dominant nonsyndromic deafness 22; DFNA 22. Identifiers: Orphanet 228012, MedGen C2931767, MONDO:0011660, OMIM 606346.
Autosomal recessive nonsyndromic hearing loss 37. Identifiers: Orphanet 90636, MedGen C1843028, MONDO:0011912, OMIM 607821.

Allele frequency attached by ClinVar (database versions not stated): gnomAD 0.00334 and 0.00350; 1000 Genomes Project 0.00339; 1000 Genomes Project 30x 0.00359; TOPMed 0.00369.
gnomAD v4.1: 502 of 152,790 alleles (0.33%); highest among the groups gnomAD compares: African/African-American, 1.2%; 3 homozygotes.

Submissions (3):

GeneDx
Classification: Likely benign. Last evaluated: 2021-05-18. Review status: criteria provided, single submitter. Criteria: GeneDx Variant Classification Process June 2021. Collection method: clinical testing. Allele origin: germline. Affected: yes.

Illumina Laboratory Services, Illumina
Classification: Benign for Autosomal dominant nonsyndromic hearing loss 22. Last evaluated: 2018-01-13. Review status: criteria provided, single submitter. Criteria: ICSL Variant Classification Criteria 13 December 2019. Collection method: clinical testing. Allele origin: germline.
Comment: This variant was observed in the ICSL laboratory as part of a predisposition screen in an ostensibly healthy population. It had not been previously curated by ICSL or reported in the Human Gene Mutation Database (HGMD: prior to June 1st, 2018), and was therefore a candidate for classification through an automated scoring system. Utilizing variant allele frequency, disease prevalence and penetrance estimates, and inheritance mode, an automated score was calculated to assess if this variant is too frequent to cause the disease. Based on the score and internal cut-off values, a variant classified as benign is not then subjected to further curation. The score for this variant resulted in a classification of benign for this disease.

Illumina Laboratory Services, Illumina
Classification: Uncertain significance for Autosomal recessive nonsyndromic hearing loss 37. Last evaluated: 2018-01-13. Review status: criteria provided, single submitter. Criteria: ICSL Variant Classification Criteria 13 December 2019. Collection method: clinical testing. Allele origin: germline.